The following is an entry in ClinVar:

ClinVar aggregate classification (germline): Uncertain significance (1 of 4 stars; one submission).

Submission:

Labcorp Genetics (formerly Invitae), Labcorp
Classification: Uncertain significance. Last evaluated: 2021-09-09. Review status: criteria provided, single submitter. Criteria: Invitae Variant Classification Sherloc (09022015). Collection method: clinical testing. Allele origin: germline.
Comment: This sequence change falls in intron 10 of the DGAT1 gene. It does not directly change the encoded amino acid sequence of the DGAT1 protein. It affects a nucleotide within the consensus splice site of the intron. This variant is not present in population databases (ExAC no frequency). This variant has not been reported in the literature in individuals affected with DGAT1-related conditions. Variants that disrupt the consensus splice site are a relatively common cause of aberrant splicing (PMID: 17576681, 9536098). Algorithms developed to predict the effect of sequence changes on RNA splicing suggest that this variant is not likely to affect RNA splicing. In summary, the available evidence is currently insufficient to determine the role of this variant in disease. Therefore, it has been classified as a Variant of Uncertain Significance.

Literature cited by the submitters: PubMed 17576681; PubMed 9536098.

NM_012079.6(DGAT1):c.894+4A>G

Gene: DGAT1 (diacylglycerol O-acyltransferase 1; minus strand). Cytogenetic location: 8q24.3.
Variant type: single nucleotide variant.
Coding change: c.894+4A>G on transcript NM_012079.6 (MANE Select); 4 bases into the intron after coding-DNA position 894, A replaced by G.
Molecular consequence: intron variant.
Genome position (GRCh38, 1-based): chr8:144,317,780, T>C on the plus strand (A>G on the coding strand, the complement: DGAT1 is on the minus strand). VCF-style: chr8-144317780-T-C. GRCh37 (hg19) VCF-style: chr8-145541443-T-C.
Identifiers: ClinVar variation 1474143 (VCV001474143.6), dbSNP rs782528548, ClinGen allele CA2573142990.